The following is an entry in ClinVar:

ClinVar aggregate classification (germline): Likely benign. Review status: criteria provided, single submitter (1 of 4 stars). 2 submissions from 2 submitters: Likely benign (1). 1 of the submissions does not count toward it. Last evaluated 2024-02-20.

Conditions:
Autosomal recessive polycystic kidney disease (ARPKD). Also called: AR polycystic kidney disease. Identifiers: Orphanet 731, Orphanet 8378, MedGen C0085548, MeSH D017044, MONDO:0009889.
PKHD1-related disorder. Also called: PKHD1-related condition.

Allele frequency attached by ClinVar (database versions not stated): TOPMed below 0.00001; gnomAD exomes 0.00001.
gnomAD v4.1: 14 of 1,444,144 alleles (0.00097%); highest among the groups gnomAD compares: African/African-American, 0.0014%; no homozygotes.

Submissions (2):

Labcorp Genetics (formerly Invitae), Labcorp
Classification: Likely benign for Autosomal recessive polycystic kidney disease. Last evaluated: 2024-02-20. Review status: criteria provided, single submitter. Criteria: Invitae Variant Classification Sherloc (09022015). Collection method: clinical testing. Allele origin: germline.

PreventionGenetics, part of Exact Sciences
Classification: Likely benign for PKHD1-related condition. Last evaluated: 2022-06-01. Review status: no assertion criteria provided. Collection method: clinical testing. Allele origin: germline. Not counted in ClinVar's aggregate classification.
Comment: This variant is classified as likely benign based on ACMG/AMP sequence variant interpretation guidelines (Richards et al. 2015 PMID: 25741868, with internal and published modifications).

NM_138694.4(PKHD1):c.1119-16A>G

Gene: PKHD1 (PKHD1 ciliary IPT domain containing fibrocystin/polyductin; minus strand). Cytogenetic location: 6p12.2.
Variant type: single nucleotide variant.
Coding change: c.1119-16A>G on transcript NM_138694.4 (MANE Select); 16 bases into the intron before coding-DNA position 1119, A replaced by G.
Molecular consequence: intron variant.
Genome position (GRCh38, 1-based): chr6:52,060,058, T>C on the plus strand (A>G on the coding strand, the complement: PKHD1 is on the minus strand). VCF-style: chr6-52060058-T-C. GRCh37 (hg19) VCF-style: chr6-51924856-T-C.
Other names: c.1119-16A>G (NM_170724.3, NM_138694.3).
Identifiers: ClinVar variation 2891378 (VCV002891378.5), dbSNP rs1179153344, ClinGen allele CA567295369.